The following is an entry in ClinVar:

ClinVar aggregate classification (germline): Uncertain significance (1 of 4 stars; one submission).

Conditions:
Diamond-Blackfan anemia. Also called: Blackfan Diamond syndrome; Aregenerative anemia chronic congenital; Red cell aplasia, pure hereditary; Congenital hypoplastic anemia; Aase syndrome. Identifiers: Orphanet 124, MedGen C1260899, MeSH D029503, MONDO:0015253, HP:0004810.

Allele frequency attached by ClinVar (database versions not stated): gnomAD exomes below 0.00001.
gnomAD v4.1: 6 of 1,614,052 alleles (0.00037%); highest among the groups gnomAD compares: South Asian, 0.0022%; no homozygotes.

Submission:

Labcorp Genetics (formerly Invitae), Labcorp
Classification: Uncertain significance for Diamond-Blackfan anemia. Last evaluated: 2025-07-21. Review status: criteria provided, single submitter. Criteria: Invitae Variant Classification Sherloc (09022015). Collection method: clinical testing. Allele origin: germline.
Comment: This sequence change replaces glycine, which is neutral and non-polar, with serine, which is neutral and polar, at codon 120 of the RPS19 protein (p.Gly120Ser). This variant is not present in population databases (gnomAD no frequency). This missense change has been observed in individual(s) with clinical features of Diamond-Blackfan anemia (PMID: 18768533). ClinVar contains an entry for this variant (Variation ID: 2890506). An algorithm developed to predict the effect of missense changes on protein structure and function (PolyPhen-2) suggests that this variant is likely to be disruptive. Experimental studies are conflicting or provide insufficient evidence to determine the effect of this variant on RPS19 function (PMID: 18768533). Algorithms developed to predict the effect of sequence changes on RNA splicing suggest that this variant may create or strengthen a splice site. In summary, the available evidence is currently insufficient to determine the role of this variant in disease. Therefore, it has been classified as a Variant of Uncertain Significance.

Literature cited by the submitters: PubMed 18768533.

NM_001022.4(RPS19):c.358G>A (p.Gly120Ser)

Genes: RPS19 (ribosomal protein S19; plus strand), RPS19-CD79A (RPS19-CD79A readthrough; plus strand). Cytogenetic location: 19q13.2.
Variant type: single nucleotide variant.
Coding change: c.358G>A on transcript NM_001022.4 (MANE Select); coding-DNA position 358, G replaced by A.
Protein change: p.Gly120Ser; replaces glycine 120 with serine.
Molecular consequence: missense variant.
Genome position (GRCh38, 1-based): chr19:41,869,700, G>A. VCF-style: chr19-41869700-G-A. GRCh37 (hg19) VCF-style: chr19-42373770-G-A.
Other names: c.358G>A, p.Gly120Ser (NM_001321483.2, NM_001321484.2); c.371G>A, p.Arg124Gln (NM_001321485.2); short protein forms G120S, R124Q.
Identifiers: ClinVar variation 2890506 (VCV002890506.3), dbSNP rs2074126567, ClinGen allele CA406030643.